The following is an entry in ClinVar:

NM_001127644.2(GABRA1):c.488G>A (p.Arg163Lys)

Gene: GABRA1 (gamma-aminobutyric acid type A receptor subunit alpha1; plus strand). Cytogenetic location: 5q34.
Variant type: single nucleotide variant.
Coding change: c.488G>A on transcript NM_001127644.2 (MANE Select); coding-DNA position 488, G replaced by A.
Protein change: p.Arg163Lys; replaces arginine 163 with lysine.
Molecular consequence: missense variant.
Genome position (GRCh38, 1-based): chr5:161,875,571, G>A. VCF-style: chr5-161875571-G-A. GRCh37 (hg19) VCF-style: chr5-161302577-G-A.
Other names: c.488G>A, p.Arg163Lys (NM_000806.5, NM_001127643.2, NM_001127645.2 and 1 more transcripts); short protein forms R163K.
Identifiers: ClinVar variation 1311529 (VCV001311529.2), dbSNP rs2113388952, ClinGen allele CA362179200.
Genomic context (GRCh38, chr5:161,875,571, plus strand): 5'-AAGTATCTAATCTATATGGCTCTTGTTTGTATTCTATGTTTCCCTTAAGGCTGACAGTGA[G>A]AGCTGAATGTCCGATGCATTTGGAGGACTTCCCTATGGATGCCCATGCTTGCCCACTAAA-3'
Protein context (NP_001121116.1, residues 153-173): TLLYTMRLTV[Arg163Lys]AECPMHLEDF

ClinVar aggregate classification (germline): Uncertain significance (1 of 4 stars; one submission).

Allele frequency attached by ClinVar (database versions not stated): gnomAD exomes below 0.00001.

Submission:

GeneDx
Classification: Uncertain significance. Last evaluated: 2019-09-06. Review status: criteria provided, single submitter. Criteria: GeneDx Variant Classification Process June 2021. Collection method: clinical testing. Allele origin: germline. Affected: yes.
Comment: Not observed in large population cohorts (Lek et al., 2016); In silico analysis, which includes protein predictors and evolutionary conservation, supports that this variant does not alter protein structure/function; Has not been previously published as pathogenic or benign to our knowledge